The following is an entry in ClinVar:

ClinVar aggregate classification (germline): Uncertain significance. Review status: criteria provided, multiple submitters, no conflicts (2 of 4 stars). 7 submissions from 7 submitters: Uncertain significance (6). 1 of the submissions does not count toward it. Last evaluated 2026-01-27.

Conditions:
Hereditary cancer-predisposing syndrome. Also called: Hereditary neoplastic syndrome; Neoplastic Syndromes, Hereditary; Hereditary Cancer Syndrome; Tumor predisposition. Identifiers: Orphanet 140162, MedGen C0027672, MeSH D009386, MONDO:0015356.
Familial adenomatous polyposis 1 (FAP1). Also called: FAMILIAL ADENOMATOUS POLYPOSIS 1, ATTENUATED; POLYPOSIS, ADENOMATOUS INTESTINAL. Identifiers: MedGen C2713442, MONDO:0021056, OMIM 175100. Disease mechanism: loss of function.

Submissions (7):

Labcorp Genetics (formerly Invitae), Labcorp
Classification: Uncertain significance for Familial adenomatous polyposis 1. Last evaluated: 2026-01-27. Review status: criteria provided, single submitter. Criteria: Invitae Variant Classification Sherloc (09022015). Collection method: clinical testing. Allele origin: germline.
Comment: This variant, c.4375_4377del, results in the deletion of 1 amino acid(s) of the APC protein (p.Thr1459del), but otherwise preserves the integrity of the reading frame. This variant is present in population databases (rs751312854, gnomAD 0.002%). This variant has not been reported in the literature in individuals affected with APC-related conditions. ClinVar contains an entry for this variant (Variation ID: 41531). Experimental studies and prediction algorithms are not available or were not evaluated, and the functional significance of this variant is currently unknown. In summary, the available evidence is currently insufficient to determine the role of this variant in disease. Therefore, it has been classified as a Variant of Uncertain Significance.

Ambry Genetics
Classification: Uncertain significance for Hereditary cancer-predisposing syndrome. Last evaluated: 2024-11-20. Review status: criteria provided, single submitter. Criteria: Ambry Variant Classification Scheme 2023. Collection method: clinical testing. Allele origin: germline.
Comment: The c.4375_4377delACT variant (also known as p.T1459del) is located in coding exon 15 of the APC gene. This variant results from an in-frame ACT deletion at nucleotide positions 4375 to 4377. This results in the in-frame deletion of a threonine at codon 1459. This amino acid position is poorly conserved in available vertebrate species. In addition, this alteration is predicted to be neutral by in silico analysis (Choi Y et al. PLoS ONE. 2012; 7(10):e46688). Based on the available evidence, the clinical significance of this variant remains unclear.

Women's Health and Genetics/Laboratory Corporation of America, LabCorp
Classification: Uncertain significance. Last evaluated: 2024-03-18. Review status: criteria provided, single submitter. Criteria: LabCorp Variant Classification Summary - May 2015. Collection method: clinical testing. Allele origin: germline.
Comment: Variant summary: APC c.4375_4377delACT (p.Thr1459del) results in an in-frame deletion that is predicted to remove one amino acid from the encoded protein. The variant allele was found at a frequency of 4e-06 in 251188 control chromosomes. The available data on variant occurrences in the general population are insufficient to allow any conclusion about variant significance. To our knowledge, no occurrence of c.4375_4377delACT in individuals affected with Familial Adenomatous Polyposis and no experimental evidence demonstrating its impact on protein function have been reported. ClinVar contains an entry for this variant (Variation ID: 41531). Based on the evidence outlined above, the variant was classified as uncertain significance.

Baylor Genetics
Classification: Uncertain significance for Familial adenomatous polyposis 1. Last evaluated: 2023-10-06. Review status: criteria provided, single submitter. Criteria: ACMG Guidelines, 2015. Collection method: clinical testing. Allele origin: unknown.

GeneDx
Classification: Uncertain significance. Last evaluated: 2023-08-18. Review status: criteria provided, single submitter. Criteria: GeneDx Variant Classification Process June 2021. Collection method: clinical testing. Allele origin: germline. Affected: yes.
Comment: Not observed at significant frequency in large population cohorts (gnomAD); In-frame deletion of 1 amino acid in a non-repeat region; In silico analysis supports that this variant does not alter protein structure/function; Observed in an individual with atherosclerosis (Johnston et al., 2012); This variant is associated with the following publications: (PMID: 27600092, 18199528, 22703879)

Color Diagnostics, LLC DBA Color Health
Classification: Uncertain significance for Hereditary cancer-predisposing syndrome. Last evaluated: 2023-04-19. Review status: criteria provided, single submitter. Criteria: ACMG Guidelines, 2015. Collection method: clinical testing. Allele origin: germline.
Comment: This variant causes an in-frame deletion of one amino acid at exon 16 of the APC protein. To our knowledge, functional studies have not been reported for this variant. This variant has not been reported in individuals affected with APC-related disorders in the literature. This variant has been identified in 1/251188 chromosomes in the general population by the Genome Aggregation Database (gnomAD). The available evidence is insufficient to determine the role of this variant in disease conclusively. Therefore, this variant is classified as a Variant of Uncertain Significance.

Biesecker Lab/Clinical Genomics Section, National Institutes of Health
Classification: Uncertain significance. Last evaluated: 2012-07-13. Review status: no assertion criteria provided. Collection method: research. Allele origin: germline. Affected: no. Observed: 1 variant allele. Study: ClinSeq. Not counted in ClinVar's aggregate classification.
ClinVar note: Converted during submission from variant of unknown significance to Uncertain significance.

NM_000038.6(APC):c.4375_4377del (p.Thr1459del)

Gene: APC (APC regulator of Wnt signaling pathway; plus strand). Cytogenetic location: 5q22.2.
Variant type: Deletion.
Coding change: c.4375_4377del on transcript NM_000038.6 (MANE Select); coding-DNA positions 4375 to 4377, 3 bases deleted (ACT; older notation c.4375_4377delACT).
Protein change: p.Thr1459del; deletes threonine 1459.
Molecular consequence: inframe deletion.
Genome position (GRCh38, 1-based): chr5:112,839,969-112,839,971, ACT deleted; deleting any 3 consecutive bases within chr5:112,839,967-112,839,971 gives the same sequence; the c. name uses the placement nearest the transcript's 3' end. VCF-style (leftmost placement, unchanged base first): chr5-112839966-CCTA-C. GRCh37 (hg19) VCF-style: chr5-112175663-CCTA-C.
Other names: c.4375_4377del, p.Thr1459del (NM_001127510.3, NM_001354895.2); c.4321_4323del, p.Thr1441del (NM_001127511.3); c.4429_4431del, p.Thr1477del (NM_001354896.2); c.4405_4407del, p.Thr1469del (NM_001354897.2); c.4300_4302del, p.Thr1434del (NM_001354898.2); c.4291_4293del, p.Thr1431del (NM_001354899.2); c.4252_4254del, p.Thr1418del (NM_001354900.2); c.4198_4200del, p.Thr1400del (NM_001354901.2); and 6 more; short protein forms T1459del, T1441del, T1469del, T1176del, T1358del, T1477del, T1400del, T1418del.
Identifiers: ClinVar variation 41531 (VCV000041531.64), dbSNP rs386833393, ClinGen allele CA009495.